The following is an entry in ClinVar:

ClinVar aggregate classification (germline): Likely pathogenic (1 of 4 stars; one submission).

Conditions:
COL1A1-related disorder. Also called: COL1A1- related disease; COL1A1-related condition.

Submission:

PreventionGenetics, part of Exact Sciences
Classification: Likely pathogenic for COL1A1-related condition. Last evaluated: 2023-07-12. Review status: criteria provided, single submitter. Criteria: ACMG Guidelines, 2015. Collection method: clinical testing. Allele origin: germline.
Comment: The COL1A1 c.2282G>A variant is predicted to result in the amino acid substitution p.Gly761Asp. To our knowledge, this variant has not been reported in the literature or in a large population database, indicating this variant is rare. The p.Gly761 amino acid is located in the conserved Gly-Xaa-Yaa triple helical domain where substitutions of a glycine are usually pathogenic (Vuristo et al. 1995. PubMed ID: 7559422; Chen et al. 2005. PubMed ID: 16033917). An alternative variant at the same amino acid (p.Gly761Ser) has been reported in a patient with osteogenesis imperfecta IV (Ho Duy et al. 2016. PubMed ID: 27519266). In summary, this variant is interpreted as likely pathogenic.

NM_000088.4(COL1A1):c.2282G>A (p.Gly761Asp)

Gene: COL1A1 (collagen type I alpha 1 chain; minus strand). Cytogenetic location: 17q21.33.
Variant type: single nucleotide variant.
Coding change: c.2282G>A on transcript NM_000088.4 (MANE Select); coding-DNA position 2282, G replaced by A.
Protein change: p.Gly761Asp; replaces glycine 761 with aspartic acid.
Molecular consequence: missense variant.
Genome position (GRCh38, 1-based): chr17:50,190,878, C>T on the plus strand (G>A on the coding strand, the complement: COL1A1 is on the minus strand). VCF-style: chr17-50190878-C-T. GRCh37 (hg19) VCF-style: chr17-48268239-C-T.
Other names: short protein forms G761D.
Identifiers: ClinVar variation 2631807 (VCV002631807.1), dbSNP rs2509194098, ClinGen allele CA400210261.